The following is an entry in ClinVar:

NM_000552.5(VWF):c.5191T>A (p.Ser1731Thr)

Gene: VWF (von Willebrand factor; minus strand). Cytogenetic location: 12p13.31.
Variant type: single nucleotide variant.
Coding change: c.5191T>A on transcript NM_000552.5 (MANE Select); coding-DNA position 5191, T replaced by A.
Protein change: p.Ser1731Thr; replaces serine 1731 with threonine.
Molecular consequence: missense variant.
Genome position (GRCh38, 1-based): chr12:6,016,636, A>T on the plus strand (T>A on the coding strand, the complement: VWF is on the minus strand). VCF-style: chr12-6016636-A-T. GRCh37 (hg19) VCF-style: chr12-6125802-A-T.
Other names: short protein forms S1731T.
Identifiers: ClinVar variation 100420 (VCV000100420.74), dbSNP rs61750603, ClinGen allele CA228704.

ClinVar aggregate classification (germline): Conflicting classifications of pathogenicity. Review status: criteria provided, conflicting classifications (1 of 4 stars). 12 submissions from 12 submitters: Likely pathogenic (2); Uncertain significance (7); Likely benign (1). 2 of the submissions do not count toward it. Last evaluated 2026-07-09.

Conditions:
VWF-related disorder. Also called: VWF-related condition; VWF-related disorders.
von Willebrand disease type 1 (VWD1). Also called: VON WILLEBRAND DISEASE, TYPE I; VWD, TYPE 1. Identifiers: Orphanet 166078, Orphanet 903, MedGen C1264039, MONDO:0008668, OMIM 193400. Inheritance: autosomal recessive or autosomal dominant.
von Willebrand disease type 3 (VWD3). Also called: Type 3 Von Willebrand's disease; Type 3 VWD; Von Willebrand disease, severe form; V WD3; VON WILLEBRAND DISEASE, TYPE III. Identifiers: Orphanet 166096, MedGen C1264041, MONDO:0010191, OMIM 277480.
von Willebrand disease type 2 (VWD2). Also called: VON WILLEBRAND DISEASE, TYPE II; VWD, TYPE 2; VON WILLEBRAND DISEASE, TYPE 2A/IIE; VON WILLEBRAND DISEASE, TYPE 2CB. Identifiers: Orphanet 166081, Orphanet 903, MedGen C1264040, MONDO:0013304, OMIM 613554.

Allele frequency attached by ClinVar (database versions not stated): ExAC 0.00119; TOPMed 0.00125; ESP Exome Variant Server 0.00131; gnomAD exomes 0.00157 and 0.00114; 1000 Genomes Project 30x 0.00016; 1000 Genomes Project 0.00020; gnomAD 0.00099 and 0.00101.
gnomAD v4.1: 1,870 of 1,614,210 alleles (0.12%); highest among the groups gnomAD compares: Middle Eastern, 0.43%; 5 homozygotes.

Submissions 1 to 7 of 13:

PreventionGenetics, part of Exact Sciences
Classification: Likely pathogenic for VWF-related condition. Last evaluated: 2026-07-09. Review status: criteria provided, single submitter. Criteria: ACMG Guidelines, 2015. Collection method: clinical testing. Allele origin: germline.
Comment: The VWF c.5191T>A variant is predicted to result in the amino acid substitution p.Ser1731Thr. This variant has been reported previously to reduce binding between VWF protein and different collagen types (including collagen I and III) and has been reported, with variable expressivity, in several patients with von Willebrand Disease (Ribba et al. 2001. PubMed ID: 11583318; Flood et al. 2010. PubMed ID: 20345715; Riddell et al. 2009. PubMed ID: 19687512; Veyradier et al. 2016. PubMed ID: 26986123, see figure 6). However, several unaffected family members, who displayed only mildly altered biochemical findings, also harbored this variant, suggesting incomplete penetrance (see, for example, Riddell et al. 2009. PubMed ID: 19687512). This variant was also reported in the homozygous state in an individual with suspected Glanzmann thrombasthenia (Owaidah et al. 2019. PubMed ID: 30792900). This variant is reported in 2.1% of alleles in individuals of Ashkenazi Jewish descent in gnomAD. A different missense change impacting the same amino acid (p.Ser1731Leu) was reported in two siblings with significantly reduced values for von Willebrand factor collagen-binding activity (Fels et al. 2022. PubMed ID: 35104900). Taken together, the VWF c.5191T>A (p.Ser1731Thr) variant is interpreted as likely pathogenic with incomplete penetrance and variable expressivity.

GeneDx
Classification: Likely pathogenic. Last evaluated: 2025-12-09. Review status: criteria provided, single submitter. Criteria: GeneDx Variant Classification Process June 2021. Collection method: clinical testing. Allele origin: germline. Affected: yes.
Comment: Published functional studies including in vitro collagen binding assays showed a reduction in binding to both type I and type III collagen (PMID: 20345715, 25051961); In silico analysis suggests that this missense variant does not alter protein structure/function; This variant is associated with the following publications: (PMID: 21967679, 25662333, 40393667, 11583318, 19506356, 19687512, 29924855, 39975579, 25051961, 26986123, 16870550, 31605304, 32394456, 24385719, 23406206, 18036186, 23216583, 32998182, 19630771, 34426522, 30792900, 34758185, 34708896, 37163579, 20345715, 38762018, 35452508, 30046704, 38968155, 37647632, 37845247, 31275557)

CeGaT Center for Human Genetics Tuebingen
Classification: Likely benign. Last evaluated: 2025-09-01. Review status: criteria provided, single submitter. Criteria: CeGaT Center For Human Genetics Tuebingen Variant Classification Criteria Version 2. Collection method: clinical testing. Allele origin: germline. Affected: yes. Observed: 5 variant alleles.
Comment: VWF: PS3:Supporting, BS1

Women's Health and Genetics/Laboratory Corporation of America, LabCorp
Classification: Uncertain significance. Last evaluated: 2025-05-20. Review status: criteria provided, single submitter. Criteria: LabCorp Variant Classification Summary - May 2015. Collection method: clinical testing. Allele origin: germline.
Comment: Variant summary: VWF c.5191T>A (p.Ser1731Thr) results in a conservative amino acid change located in the third VWF type A (A3) domain (IPR002035), which is the main binding site for collagens type I and III (UniProt) of the encoded protein sequence. Algorithms developed to predict the effect of missense changes on protein structure and function are either unavailable or do not agree on the potential impact of this missense change. The variant allele was found at a frequency of 0.0012 in 1614210 control chromosomes in the gnomAD database (v4.1 dataset), including 5 homozygotes. However, in certain subpopulations, e.g. in the Ashkenazi Jewish the variant was found at a much higher allele frequency (i.e. 2.1%). The observed relatively high frequency, together with the homozygous occurrences, might indicate a benign nature for the variant, or alternatively the variant might represent a hypomorphic allele associated with a milder phenotype / reduced penetrance. The variant, c.5191T>A, has been reported in the literature in multiple heterozygous individuals affected with Von Willebrand Disease (e.g. Ribba_2001, Riddell_2009, Veyradier_2016, Borras_2017, Maas_2022). However, in at least one family the variant was also observed in asymptomatic younger family members (Riddell_2009), although they also displayed the biochemical phenotype (i.e. decreased VWF binding to type I collagen; see below). Furthermore, in one of these reported cases a co-occurring pathogenic variant could explain the phenotype (Borras_2017). The variant was also found in homozygous state in an individual affected with (suspected) Glanzmann thrombasthenia, i.e. a phenotype not known to be associated with the VWF gene (Owaidah 2019). Several publications reported experimental evidence evaluating an impact on protein function, and in general demonstrated reduced binding to collagen type I, with mostly unaffected binding to collagen type III (e.g. Ribba_2001, Riddell_2009, Flood_2010, Shida_2014, Posch_2018). This finding was confirmed by utilizing a knock-in mouse model (Shida_2014), however authors of the study concluded that mice were still able to initiate platelet adhesion and thrombus formation in their model, demonstrating an important role for collagen-independent pathway(s) of primary hemostasis that likely contribute to the mild bleeding phenotype in patients with VWF collagen-binding mutations. In addition, the variant was also found in the UK Biobank in 262 carriers (from 140214 participants), and this large-scale analysis indicated no association for bleeding, thrombotic, and platelet disorders (BTPDs) for this variant (Stefanucci_2023). The following publications have been ascertained in the context of this evaluation (PMID: 11583318, 19687512, 26986123, 28971901, 30792900, 20345715, 25051961, 29604837, 34758185, 34708896, 37647632). ClinVar contains an entry for this variant (Variation ID: 100420). In summary, the variant seems to represent a relatively frequent hypomorphic allele with a well-defined laboratory phenotype (i.e. reduced type I collagen binding, but otherwise normal VWF values), however no association for BTPDs was found in a large-scale analysis. Based on the evidence outlined above, the variant was classified as VUS-possibly benign.

Quest Diagnostics Nichols Institute San Juan Capistrano
Classification: Uncertain significance. Last evaluated: 2025-03-13. Review status: criteria provided, single submitter. Criteria: Quest Diagnostics criteria. Collection method: clinical testing. Allele origin: unknown.
Comment: The VWF c.5191T>A (p.Ser1731Thr) variant has been reported in the published literature in individuals with Type 2M von Willebrand disease (PMID: 26986123 (2016), 28971901 (2017), 34758185 (2022)) and in individuals with bleeding symptoms as well as in two asymptomatic siblings (PMID: 19687512 (2009)). This variant has also been reported in a homozygous state in an individual with Glanzmann thrombasthenia (GT) (PMID: 30792900 (2019)). Published functional studies showed that this variant caused decreased platelet adhesion due to defective binding to type I and type III collagen (PMID: 11583318 (2001), 19687512 (2009), 20345715 (2010), 29604837 (2018)) while one study showed a minimal effect on Type III collagen binding (PMID: 25051961 (2014)). The frequency of this variant in the general population (Genome Aggregation Database) is higher than would generally be expected for pathogenic variants in this gene. Analysis of this variant using bioinformatics tools for the prediction of the effect of amino acid changes on protein structure and function yielded predictions that this variant is damaging. Additional analysis using software algorithms for the prediction of the effect of nucleotide changes on VWF mRNA splicing yielded predictions that this variant may result in the gain of a cryptic splice site without affecting the natural splice sites. Based on the available information, we are unable to determine the clinical significance of this variant.

Center for Genomic Medicine, Rigshospitalet, Copenhagen University Hospital
Classification: Uncertain significance. Last evaluated: 2025-03-04. Review status: criteria provided, single submitter. Criteria: ACMG Guidelines, 2015. Collection method: clinical testing. Allele origin: germline.

Blueprint Genetics
Classification: Uncertain significance. Last evaluated: 2024-11-25. Review status: criteria provided, single submitter. Criteria: ACMG Guidelines, 2015. Collection method: clinical testing. Allele origin: germline.